The following is an entry in ClinVar:

NM_198576.4(AGRN):c.697C>G (p.Arg233Gly)

Genes: AGRN (agrin; plus strand), LOC129929077 (ATAC-STARR-seq lymphoblastoid silent region 23; plus strand). Cytogenetic location: 1p36.33.
Variant type: single nucleotide variant.
Coding change: c.697C>G on transcript NM_198576.4 (MANE Select); coding-DNA position 697, C replaced by G.
Protein change: p.Arg233Gly; replaces arginine 233 with glycine.
Molecular consequence: missense variant.
Genome position (GRCh38, 1-based): chr1:1,040,850, C>G. VCF-style: chr1-1040850-C-G. GRCh37 (hg19) VCF-style: chr1-976230-C-G.
Other names: c.697C>G, p.Arg233Gly (NM_001305275.2); c.382C>G, p.Arg128Gly (NM_001364727.2); short protein forms R233G, R128G.
Identifiers: ClinVar variation 2069483 (VCV002069483.2), dbSNP rs954510860, ClinGen allele CA16750979.

ClinVar aggregate classification (germline): Uncertain significance (1 of 4 stars; one submission).

Conditions:
Congenital myasthenic syndrome 8. Also called: MYASTHENIC SYNDROME, CONGENITAL, DUE TO AGRIN DEFICIENCY; Myasthenic syndrome, congenital, 8, with pre- and postsynaptic defects. Identifiers: Orphanet 590, MedGen C3808739, MONDO:0014052, OMIM 615120.

Allele frequency attached by ClinVar (database versions not stated): TOPMed below 0.00001.

Submission:

Labcorp Genetics (formerly Invitae), Labcorp
Classification: Uncertain significance for Congenital myasthenic syndrome 8. Last evaluated: 2022-07-18. Review status: criteria provided, single submitter. Criteria: Invitae Variant Classification Sherloc (09022015). Collection method: clinical testing. Allele origin: germline.
Comment: In summary, the available evidence is currently insufficient to determine the role of this variant in disease. Therefore, it has been classified as a Variant of Uncertain Significance. Algorithms developed to predict the effect of missense changes on protein structure and function are either unavailable or do not agree on the potential impact of this missense change (SIFT: "Deleterious"; PolyPhen-2: "Benign"; Align-GVGD: "Class C0"). This variant has not been reported in the literature in individuals affected with AGRN-related conditions. This variant is not present in population databases (gnomAD no frequency). This sequence change replaces arginine, which is basic and polar, with glycine, which is neutral and non-polar, at codon 233 of the AGRN protein (p.Arg233Gly).